The following is an entry in ClinVar:

ClinVar aggregate classification (germline): Uncertain significance (1 of 4 stars; one submission).

Conditions:
Hereditary cancer-predisposing syndrome. Also called: Neoplastic Syndromes, Hereditary; Tumor predisposition; Hereditary Cancer Syndrome; Hereditary neoplastic syndrome. Identifiers: Orphanet 140162, MedGen C0027672, MeSH D009386, MONDO:0015356.

Submission:

Ambry Genetics
Classification: Uncertain significance for Hereditary cancer-predisposing syndrome. Last evaluated: 2024-09-19. Review status: criteria provided, single submitter. Criteria: Ambry Variant Classification Scheme 2023. Collection method: clinical testing. Allele origin: germline.
Comment: The p.L345I variant (also known as c.1033C>A), located in coding exon 10 of the PMS2 gene, results from a C to A substitution at nucleotide position 1033. The leucine at codon 345 is replaced by isoleucine, an amino acid with highly similar properties. This amino acid position is conserved. In addition, the in silico prediction for this alteration is inconclusive. Based on the available evidence, the clinical significance of this variant remains unclear.

NM_000535.7(PMS2):c.1033C>A (p.Leu345Ile)

Gene: PMS2 (PMS1 homolog 2, mismatch repair system component; minus strand). Cytogenetic location: 7p22.1.
Variant type: single nucleotide variant.
Coding change: c.1033C>A on transcript NM_000535.7 (MANE Select); coding-DNA position 1033, C replaced by A.
Protein change: p.Leu345Ile; replaces leucine 345 with isoleucine.
Molecular consequence: missense variant. On other transcripts: non-coding transcript variant (1), intron variant (10).
Genome position (GRCh38, 1-based): chr7:5,989,911, G>T on the plus strand (C>A on the coding strand, the complement: PMS2 is on the minus strand). VCF-style: chr7-5989911-G-T. GRCh37 (hg19) VCF-style: chr7-6029542-G-T.
Other names: c.628C>A, p.Leu210Ile (NM_001406897.1, NM_001406898.1, NM_001406899.1 and 16 more transcripts); c.715C>A, p.Leu239Ile (NM_001406903.1, NM_001322007.2, NM_001322008.2 and 2 more transcripts); c.520C>A, p.Leu174Ile (NM_001406904.1, NM_001406905.1); c.460C>A, p.Leu154Ile (NM_001406909.1, NM_001322013.2); c.262C>A, p.Leu88Ile (NM_001406911.1); c.583+2062C>A (NM_001322010.2, NM_001406906.1, NM_001406907.1); c.670+2062C>A (NM_001406902.1, NM_001406901.1); c.679+2062C>A (NM_001406900.1); and 13 more; short protein forms L174I, L34I, L353I, L88I, L210I, L239I, L242I, L279I.
Identifiers: ClinVar variation 3421508 (VCV003421508.1).